The following is an entry in ClinVar:

ClinVar aggregate classification (germline): Uncertain significance (1 of 4 stars; one submission).

Conditions:
Peutz-Jeghers syndrome (PJS). Also called: POLYPOSIS, HAMARTOMATOUS INTESTINAL; POLYPS-AND-SPOTS SYNDROME; Peutz-Jeghers polyposis; Periorificial lentiginosis syndrome. Identifiers: Orphanet 2869, MedGen C0031269, MeSH D010580, MONDO:0008280, OMIM 175200.

Submission:

Labcorp Genetics (formerly Invitae), Labcorp
Classification: Uncertain significance for Peutz-Jeghers syndrome. Last evaluated: 2025-08-30. Review status: criteria provided, single submitter. Criteria: Invitae Variant Classification Sherloc (09022015). Collection method: clinical testing. Allele origin: germline.
Comment: This sequence change falls in intron 8 of the STK11 gene. It does not directly change the encoded amino acid sequence of the STK11 protein. It affects a nucleotide within the consensus splice site. This variant is not present in population databases (gnomAD no frequency). This variant has not been reported in the literature in individuals affected with STK11-related conditions. ClinVar contains an entry for this variant (Variation ID: 2706580). Variants that disrupt the consensus splice site are a relatively common cause of aberrant splicing (PMID: 17576681, 9536098). Algorithms developed to predict the effect of sequence changes on RNA splicing suggest that this variant is not likely to affect RNA splicing. In summary, the available evidence is currently insufficient to determine the role of this variant in disease. Therefore, it has been classified as a Variant of Uncertain Significance.

Literature cited by the submitters: PubMed 17576681; PubMed 9536098.

NM_000455.5(STK11):c.1108+6T>G

Genes: STK11 (serine/threonine kinase 11; plus strand), LOC130062899 (ATAC-STARR-seq lymphoblastoid active region 13597; plus strand). Cytogenetic location: 19p13.3.
Variant type: single nucleotide variant.
Coding change: c.1108+6T>G on transcript NM_000455.5 (MANE Select); 6 bases into the intron after coding-DNA position 1108, T replaced by G.
Molecular consequence: intron variant.
Genome position (GRCh38, 1-based): chr19:1,223,178, T>G. VCF-style: chr19-1223178-T-G. GRCh37 (hg19) VCF-style: chr19-1223177-T-G.
Other names: c.1108+6T>G (NM_001407255.1).
Identifiers: ClinVar variation 2706580 (VCV002706580.3), dbSNP rs777428255, ClinGen allele CA2697555608.